The following is an entry in ClinVar:

NM_001429.4(EP300):c.33T>C (p.Pro11=)

Gene: EP300 (EP300 lysine acetyltransferase; plus strand). Cytogenetic location: 22q13.2.
Variant type: single nucleotide variant.
Coding change: c.33T>C on transcript NM_001429.4 (MANE Select); coding-DNA position 33, T replaced by C.
Protein change: p.Pro11=; no amino-acid change (proline 11 retained).
Molecular consequence: synonymous variant.
Genome position (GRCh38, 1-based): chr22:41,093,037, T>C. VCF-style: chr22-41093037-T-C. GRCh37 (hg19) VCF-style: chr22-41489041-T-C.
Other names: c.33T>C, p.Pro11= (NM_001362843.2).
Identifiers: ClinVar variation 4985584 (VCV004985584.1).

ClinVar aggregate classification (germline): Likely benign (1 of 4 stars; one submission).

Conditions:
EP300-related disorder. Also called: EP300-related condition; EP300-related disorders.

Submission:

PreventionGenetics, part of Exact Sciences
Classification: Likely benign for EP300-related condition. Last evaluated: 2024-10-14. Review status: criteria provided, single submitter. Criteria: ACMG Guidelines, 2015. Collection method: clinical testing. Allele origin: germline.
Comment: This variant is classified as likely benign based on ACMG/AMP sequence variant interpretation guidelines (Richards et al. 2015 PMID: 25741868, with internal and published modifications).